The following is an entry in ClinVar:

NM_000146.4(FTL):c.-181G>A

Gene: FTL (ferritin light chain; plus strand). Cytogenetic location: 19q13.33.
Variant type: single nucleotide variant.
Coding change: c.-181G>A on transcript NM_000146.4 (MANE Select); 181 bases upstream of the start codon, G replaced by A.
Molecular consequence: 5 prime UTR variant.
Genome position (GRCh38, 1-based): chr19:48,965,327, G>A. VCF-style: chr19-48965327-G-A. GRCh37 (hg19) VCF-style: chr19-49468584-G-A.
Identifiers: ClinVar variation 2934490 (VCV002934490.3), dbSNP rs2513694118, ClinGen allele CA2586287968.

ClinVar aggregate classification (germline): Uncertain significance (1 of 4 stars; one submission).

Conditions:
Hereditary hyperferritinemia with congenital cataracts. Also called: HYPERFERRITINEMIA WITH OR WITHOUT CATARACT; Hereditary hyperferritinemia cataract syndrome; Bonneau-Beaumont syndrome. Identifiers: Orphanet 163, MedGen C1833213, MONDO:0010952, OMIM 600886.
Neuroferritinopathy (NBIA3). Also called: NEURODEGENERATION WITH BRAIN IRON ACCUMULATION 3; BASAL GANGLIA DISEASE, ADULT-ONSET. Identifiers: Orphanet 157846, MedGen C1853578, MONDO:0011638, OMIM 606159.

Allele frequency attached by ClinVar (database versions not stated): gnomAD exomes below 0.00001.
gnomAD v4.1: 1 of 637,262 alleles (0.00016%); highest among the groups gnomAD compares: East Asian, 0.0029%; no homozygotes.

Submission:

Labcorp Genetics (formerly Invitae), Labcorp
Classification: Uncertain significance for Neuroferritinopathy; Hereditary hyperferritinemia with congenital cataracts. Last evaluated: 2023-06-15. Review status: criteria provided, single submitter. Criteria: Invitae Variant Classification Sherloc (09022015). Collection method: clinical testing. Allele origin: germline.
Comment: In summary, the available evidence is currently insufficient to determine the role of this variant in disease. Therefore, it has been classified as a Variant of Uncertain Significance. Experimental studies and prediction algorithms are not available or were not evaluated, and the functional significance of this variant is currently unknown. This variant has not been reported in the literature in individuals affected with FTL-related conditions. This variant is not present in population databases (gnomAD no frequency). This variant occurs in a non-coding region of the FTL gene. It does not change the encoded amino acid sequence of the FTL protein.